The following is an entry in ClinVar:

ClinVar aggregate classification (germline): Uncertain significance (1 of 4 stars; one submission).

Submission:

Ambry Genetics
Classification: Uncertain significance. Last evaluated: 2025-11-08. Review status: criteria provided, single submitter. Criteria: Ambry Variant Classification Scheme 2023. Collection method: clinical testing. Allele origin: germline.
Comment: The p.L1960R variant (also known as c.5879T>G), located in coding exon 23 of the WNK2 gene, results from a T to G substitution at nucleotide position 5879. The leucine at codon 1960 is replaced by arginine, an amino acid with dissimilar properties. This amino acid position is conserved. In addition, the in silico prediction for this alteration is inconclusive. Based on the available evidence, the clinical significance of this variant remains unclear.

NM_006648.4(WNK2):c.5879T>G (p.Leu1960Arg)

Gene: WNK2 (WNK lysine deficient protein kinase 2; plus strand). Cytogenetic location: 9q22.31.
Variant type: single nucleotide variant.
Coding change: c.5879T>G on transcript NM_006648.4 (MANE Select); coding-DNA position 5879, T replaced by G.
Protein change: p.Leu1960Arg; replaces leucine 1960 with arginine.
Molecular consequence: missense variant.
Genome position (GRCh38, 1-based): chr9:93,298,023, T>G. VCF-style: chr9-93298023-T-G. GRCh37 (hg19) VCF-style: chr9-96060305-T-G.
Other names: c.5990T>G, p.Leu1997Arg (NM_001282394.3); short protein forms L1960R, L1997R.
Identifiers: ClinVar variation 4605342 (VCV004605342.1).
Genomic context (GRCh38, chr9:93,298,023, plus strand): 5'-CACCCCCCACTGGCCGCCGGAGAAAAACCAGCAAGAGCAAGCTGAAGGCAGGCAAGCTGC[T>G]AAATCCCCTGGTGCGGCAGCTCAAGGTCGTGGCCTCCAGCACAGGTCGGCCTCCGGGTGC-3'
Protein context (NP_006639.3, residues 1950-1970): SKSKLKAGKL[Leu1960Arg]NPLVRQLKVV